The following is an entry in ClinVar:

ClinVar aggregate classification (germline): Uncertain significance. Review status: criteria provided, multiple submitters, no conflicts (2 of 4 stars). 2 submissions from 2 submitters: Uncertain significance (2). Last evaluated 2022-12-13.

Conditions:
Autosomal dominant hypocalcemia 1 (HYPOC1). Also called: HYPOCALCEMIA, FAMILIAL. Identifiers: MedGen C3715128, MONDO:0011013, OMIM 601198.
Familial hypocalciuric hypercalcemia (FHH). Also called: Familial benign hypercalcemia. Identifiers: Orphanet 405, MedGen C1809471, MONDO:0018458.
Nephrolithiasis/nephrocalcinosis. Identifiers: MedGen CN580796.

Allele frequency attached by ClinVar (database versions not stated): TOPMed below 0.00001; gnomAD 0.00001.
gnomAD v4.1: 1 of 1,614,072 alleles (0.000062%); highest among the groups gnomAD compares: Non-Finnish European, 0.000085%; no homozygotes.

Submissions (2):

Ambry Genetics
Classification: Uncertain significance for Nephrolithiasis/nephrocalcinosis. Last evaluated: 2022-12-13. Review status: criteria provided, single submitter. Criteria: Ambry Variant Classification Scheme 2023. Collection method: clinical testing. Allele origin: germline.
Comment: The p.Q957H variant (also known as c.2871G>C), located in coding exon 6 of the CASR gene, results from a G to C substitution at nucleotide position 2871. The glutamine at codon 957 is replaced by histidine, an amino acid with highly similar properties. This amino acid position is conserved. In addition, this alteration is predicted to be tolerated by in silico analysis. Since supporting evidence is limited at this time, the clinical significance of this alteration remains unclear.

Labcorp Genetics (formerly Invitae), Labcorp
Classification: Uncertain significance for Familial hypocalciuric hypercalcemia; Autosomal dominant hypocalcemia 1. Last evaluated: 2020-12-17. Review status: criteria provided, single submitter. Criteria: Invitae Variant Classification Sherloc (09022015). Collection method: clinical testing. Allele origin: germline.
Comment: This variant has not been reported in the literature in individuals with CASR-related conditions. This variant is not present in population databases (ExAC no frequency). This sequence change replaces glutamine with histidine at codon 957 of the CASR protein (p.Gln957His). The glutamine residue is moderately conserved and there is a small physicochemical difference between glutamine and histidine. Algorithms developed to predict the effect of missense changes on protein structure and function (SIFT, PolyPhen-2, Align-GVGD) all suggest that this variant is likely to be tolerated, but these predictions have not been confirmed by published functional studies and their clinical significance is uncertain. In summary, the available evidence is currently insufficient to determine the role of this variant in disease. Therefore, it has been classified as a Variant of Uncertain Significance.

NM_000388.4(CASR):c.2871G>C (p.Gln957His)

Gene: CASR (calcium sensing receptor; plus strand). Cytogenetic location: 3q21.1.
Variant type: single nucleotide variant.
Coding change: c.2871G>C on transcript NM_000388.4 (MANE Select); coding-DNA position 2871, G replaced by C.
Protein change: p.Gln957His; replaces glutamine 957 with histidine.
Molecular consequence: missense variant.
Genome position (GRCh38, 1-based): chr3:122,284,825, G>C. VCF-style: chr3-122284825-G-C. GRCh37 (hg19) VCF-style: chr3-122003672-G-C.
Other names: c.2871G>C (NM_000388.3); c.2901G>C, p.Gln967His (NM_001178065.2); short protein forms Q957H, Q967H.
Identifiers: ClinVar variation 1446240 (VCV001446240.9), dbSNP rs988523065, ClinGen allele CA82749324.